The following is an entry in ClinVar:

ClinVar aggregate classification (germline): Uncertain significance. Review status: criteria provided, multiple submitters, no conflicts (2 of 4 stars). 3 submissions from 3 submitters: Uncertain significance (3). Last evaluated 2024-11-15.

Conditions:
Familial sleep-related hypermotor epilepsy. Also called: Autosomal Dominant Sleep-Related Hypermotor (Hyperkinetic) Epilepsy. Identifiers: Orphanet 98784, MedGen C3696898, MONDO:0000030.
Autosomal dominant nocturnal frontal lobe epilepsy 1. Also called: EPILEPSY, NOCTURNAL FRONTAL LOBE, TYPE 1; CHRNA4-Related Nocturnal Frontal Lobe Epilepsy, Autosomal Dominant. Identifiers: Orphanet 98784, MedGen C1838049, MONDO:0010899, OMIM 600513.

Allele frequency attached by ClinVar (database versions not stated): gnomAD 0.00001; ExAC 0.00002; gnomAD exomes 0.00002; TOPMed 0.00003.
gnomAD v4.1: 20 of 1,613,484 alleles (0.0012%); highest among the groups gnomAD compares: Middle Eastern, 0.016%; no homozygotes.

Submissions (3):

Labcorp Genetics (formerly Invitae), Labcorp
Classification: Uncertain significance. Last evaluated: 2024-11-15. Review status: criteria provided, single submitter. Criteria: Invitae Variant Classification Sherloc (09022015). Collection method: clinical testing. Allele origin: germline.
Comment: This sequence change replaces arginine, which is basic and polar, with cysteine, which is neutral and slightly polar, at codon 354 of the CHRNA4 protein (p.Arg354Cys). This variant is present in population databases (rs758534439, gnomAD 0.006%). This variant has not been reported in the literature in individuals affected with CHRNA4-related conditions. ClinVar contains an entry for this variant (Variation ID: 411846). Invitae Evidence Modeling of protein sequence and biophysical properties (such as structural, functional, and spatial information, amino acid conservation, physicochemical variation, residue mobility, and thermodynamic stability) indicates that this missense variant is not expected to disrupt CHRNA4 protein function with a negative predictive value of 80%. In summary, the available evidence is currently insufficient to determine the role of this variant in disease. Therefore, it has been classified as a Variant of Uncertain Significance.

Revvity Omics, Revvity
Classification: Uncertain significance for Autosomal dominant nocturnal frontal lobe epilepsy 1. Last evaluated: 2021-07-22. Review status: criteria provided, single submitter. Criteria: ACMG Guidelines, 2015. Collection method: clinical testing. Allele origin: germline.

CeGaT Center for Human Genetics Tuebingen
Classification: Uncertain significance. Last evaluated: 2017-10-01. Review status: criteria provided, single submitter. Criteria: CeGaT Center For Human Genetics Tuebingen Variant Classification Criteria Version 2. Collection method: clinical testing. Allele origin: germline. Affected: yes. Observed: 1 variant allele.

NM_000744.7(CHRNA4):c.1060C>T (p.Arg354Cys)

Gene: CHRNA4 (cholinergic receptor nicotinic alpha 4 subunit; minus strand). Cytogenetic location: 20q13.33.
Variant type: single nucleotide variant.
Coding change: c.1060C>T on transcript NM_000744.7 (MANE Select); coding-DNA position 1060, C replaced by T.
Protein change: p.Arg354Cys; replaces arginine 354 with cysteine.
Molecular consequence: missense variant. On other transcripts: non-coding transcript variant (1).
Genome position (GRCh38, 1-based): chr20:63,350,351, G>A on the plus strand (C>T on the coding strand, the complement: CHRNA4 is on the minus strand). VCF-style: chr20-63350351-G-A. GRCh37 (hg19) VCF-style: chr20-61981703-G-A.
Other names: c.532C>T, p.Arg178Cys (NM_001256573.2); short protein forms R354C, R178C.
Identifiers: ClinVar variation 411846 (VCV000411846.52), dbSNP rs758534439, ClinGen allele CA9957668.